The following is an entry in ClinVar:

NM_000784.4(CYP27A1):c.425T>C (p.Leu142Pro)

Gene: CYP27A1 (cytochrome P450 family 27 subfamily A member 1; plus strand). Cytogenetic location: 2q35.
Variant type: single nucleotide variant.
Coding change: c.425T>C on transcript NM_000784.4 (MANE Select); coding-DNA position 425, T replaced by C.
Protein change: p.Leu142Pro; replaces leucine 142 with proline.
Molecular consequence: missense variant.
Genome position (GRCh38, 1-based): chr2:218,809,746, T>C. VCF-style: chr2-218809746-T-C. GRCh37 (hg19) VCF-style: chr2-219674469-T-C.
Other names: p.Leu142Pro; short protein forms L142P.
Identifiers: ClinVar variation 639836 (VCV000639836.8), dbSNP rs369363177, ClinGen allele CA2112586.

ClinVar aggregate classification (germline): Uncertain significance. Review status: criteria provided, multiple submitters, no conflicts (2 of 4 stars). 5 submissions from 5 submitters: Uncertain significance (4). 1 of the submissions does not count toward it. Last evaluated 2025-10-28.

Conditions:
Cholestanol storage disease (CTX). Also called: CTX: Cerebrotendinous xanthomatosis; Cerebrotendinous Xanthomatosis; CEREBRAL CHOLESTERINOSIS. Identifiers: Orphanet 909, MedGen C0238052, MONDO:0008948, OMIM 213700.
Cardiovascular phenotype. Identifiers: MedGen CN230736.

Allele frequency attached by ClinVar (database versions not stated): TOPMed 0.00004; gnomAD 0.00006 and 0.00007; gnomAD exomes 0.00006 and 0.00008; ESP Exome Variant Server 0.00008; ExAC 0.00009.

Submissions (5):

Ambry Genetics
Classification: Uncertain significance for Cardiovascular phenotype. Last evaluated: 2025-10-28. Review status: criteria provided, single submitter. Criteria: Ambry Variant Classification Scheme 2023. Collection method: clinical testing. Allele origin: germline.
Comment: The p.L142P variant (also known as c.425T>C), located in coding exon 2 of the CYP27A1 gene, results from a T to C substitution at nucleotide position 425. The leucine at codon 142 is replaced by proline, an amino acid with similar properties. This variant has been identified in the homozygous state and/or in conjunction with other CYP27A1 variant(s) in individual(s) with features consistent with cerebrotendinous xanthomatosis (Huijgen R et al. Clin Genet, 2012 Jan;81:24-8). This amino acid position is not well conserved in available vertebrate species. In addition, this alteration is predicted to be deleterious by in silico analysis. Based on the available evidence, the clinical significance of this variant remains unclear.

Mayo Clinic Laboratories, Mayo Clinic
Classification: Uncertain significance. Last evaluated: 2025-09-17. Review status: criteria provided, single submitter. Criteria: ACMG Guidelines, 2015. Collection method: clinical testing. Allele origin: germline. Observed: 1 variant allele.
Comment: PM3_supporting

Labcorp Genetics (formerly Invitae), Labcorp
Classification: Uncertain significance for Cholestanol storage disease. Last evaluated: 2022-08-22. Review status: criteria provided, single submitter. Criteria: Invitae Variant Classification Sherloc (09022015). Collection method: clinical testing. Allele origin: germline.
Comment: This sequence change replaces leucine, which is neutral and non-polar, with proline, which is neutral and non-polar, at codon 142 of the CYP27A1 protein (p.Leu142Pro). This variant is present in population databases (rs369363177, gnomAD 0.02%). This missense change has been observed in individual(s) with cerebrotendinous xanthomatosis (PMID: 21955034). ClinVar contains an entry for this variant (Variation ID: 639836). Algorithms developed to predict the effect of missense changes on protein structure and function (SIFT, PolyPhen-2, Align-GVGD) all suggest that this variant is likely to be disruptive. In summary, the available evidence is currently insufficient to determine the role of this variant in disease. Therefore, it has been classified as a Variant of Uncertain Significance.

Revvity Omics, Revvity
Classification: Uncertain significance for Cholestanol storage disease. Last evaluated: 2021-12-29. Review status: criteria provided, single submitter. Criteria: ACMG Guidelines, 2015. Collection method: clinical testing. Allele origin: germline.

Natera, Inc.
Classification: Uncertain significance for Cerebrotendinous xanthomatosis. Last evaluated: 2020-01-04. Review status: no assertion criteria provided. Collection method: clinical testing. Allele origin: germline. Not counted in ClinVar's aggregate classification.

Literature cited by the submitters: PubMed 21955034 (cited by 3 submitters).